The following is an entry in ClinVar:

ClinVar aggregate classification (germline): Uncertain significance (1 of 4 stars; one submission).

Conditions:
Polycystic kidney disease 4 (PKD4). Also called: POLYCYSTIC KIDNEY AND HEPATIC DISEASE 1; POLYCYSTIC KIDNEY DISEASE, INFANTILE, TYPE I; POLYCYSTIC KIDNEY DISEASE 4 WITH OR WITHOUT POLYCYSTIC LIVER DISEASE; PKD3; Autosomal Recessive Polycystic Kidney Disease – PKHD1. Identifiers: MedGen C4540575, MONDO:0033004, OMIM 263200.

Submission:

Juno Genomics, Hangzhou Juno Genomics, Inc
Classification: Uncertain significance for Polycystic kidney disease 4. Review status: criteria provided, single submitter. Criteria: ACMG Guidelines, 2015. Collection method: clinical testing. Allele origin: germline.
Comment: Absent from controls (or at extremely low frequency if recessive) in Genome Aggregation Database.

NM_138694.4(PKHD1):c.7406T>A (p.Val2469Glu)

Gene: PKHD1 (PKHD1 ciliary IPT domain containing fibrocystin/polyductin; minus strand). Cytogenetic location: 6p12.2.
Variant type: single nucleotide variant.
Coding change: c.7406T>A on transcript NM_138694.4 (MANE Select); coding-DNA position 7406, T replaced by A.
Protein change: p.Val2469Glu; replaces valine 2469 with glutamic acid.
Molecular consequence: missense variant.
Genome position (GRCh38, 1-based): chr6:51,870,584, A>T on the plus strand (T>A on the coding strand, the complement: PKHD1 is on the minus strand). VCF-style: chr6-51870584-A-T. GRCh37 (hg19) VCF-style: chr6-51735382-A-T.
Other names: c.7406T>A, p.Val2469Glu (NM_170724.3); short protein forms V2469E.
Identifiers: ClinVar variation 5019711 (VCV005019711.2).